The following is an entry in ClinVar:

NM_001202.6(BMP4):c.767G>A (p.Arg256Gln)

Gene: BMP4 (bone morphogenetic protein 4; minus strand). Cytogenetic location: 14q22.2.
Variant type: single nucleotide variant.
Coding change: c.767G>A on transcript NM_001202.6 (MANE Select); coding-DNA position 767, G replaced by A.
Protein change: p.Arg256Gln; replaces arginine 256 with glutamine.
Molecular consequence: missense variant.
Genome position (GRCh38, 1-based): chr14:53,950,492, C>T on the plus strand (G>A on the coding strand, the complement: BMP4 is on the minus strand). VCF-style: chr14-53950492-C-T. GRCh37 (hg19) VCF-style: chr14-54417210-C-T.
Other names: c.908G>A, p.Arg303Gln (NM_001347912.1); c.578G>A, p.Arg193Gln (NM_001347913.2, NM_001347915.2, NM_001347917.1); c.767G>A, p.Arg256Gln (NM_001347914.2, NM_001347916.1, NM_130850.5 and 1 more transcripts); short protein forms R193Q, R256Q, R303Q.
Identifiers: ClinVar variation 4789138 (VCV004789138.1).

ClinVar aggregate classification (germline): Uncertain significance (1 of 4 stars; one submission).

Conditions:
Orofacial cleft 11 (OFC11). Also called: Orofacial cleft 11; ofc11; CLEFT LIP WITH OR WITHOUT CLEFT PALATE, NONSYNDROMIC, 11. Identifiers: MedGen C2677434, MONDO:0010906, OMIM 600625.
Microphthalmia with brain and digit anomalies (MCOPS6). Also called: MICROPHTHALMIA AND PITUITARY ANOMALIES; Microphthalmia, syndromic 6. Identifiers: Orphanet 139471, MedGen C1864689, MONDO:0011936, OMIM 607932.

gnomAD v4.1: 23 of 1,614,136 alleles (0.0014%); highest among the groups gnomAD compares: Non-Finnish European, 0.0019%; no homozygotes.

Submission:

Labcorp Genetics (formerly Invitae), Labcorp
Classification: Uncertain significance for Microphthalmia with brain and digit anomalies; Orofacial cleft 11. Last evaluated: 2025-12-21. Review status: criteria provided, single submitter. Criteria: Invitae Variant Classification Sherloc (09022015). Collection method: clinical testing. Allele origin: germline.
Comment: This sequence change replaces arginine, which is basic and polar, with glutamine, which is neutral and polar, at codon 256 of the BMP4 protein (p.Arg256Gln). This variant is present in population databases (rs746984770, gnomAD 0.0009%). This variant has not been reported in the literature in individuals affected with BMP4-related conditions. Invitae Evidence Modeling of protein sequence and biophysical properties (such as structural, functional, and spatial information, amino acid conservation, physicochemical variation, residue mobility, and thermodynamic stability) indicates that this missense variant is not expected to disrupt BMP4 protein function with a negative predictive value of 80%. In summary, the available evidence is currently insufficient to determine the role of this variant in disease. Therefore, it has been classified as a Variant of Uncertain Significance.